The following is an entry in ClinVar:

ClinVar aggregate classification (germline): Uncertain significance (1 of 4 stars; one submission).

Conditions:
Combined immunodeficiency due to LRBA deficiency. Also called: Common variable immunodeficiency 8, with autoimmunity. Identifiers: Orphanet 445018, MedGen C3553512, MONDO:0013863, OMIM 614700.

Submission:

Labcorp Genetics (formerly Invitae), Labcorp
Classification: Uncertain significance for Combined immunodeficiency due to LRBA deficiency. Last evaluated: 2022-09-27. Review status: criteria provided, single submitter. Criteria: Invitae Variant Classification Sherloc (09022015). Collection method: clinical testing. Allele origin: germline.
Comment: In summary, the available evidence is currently insufficient to determine the role of this variant in disease. Therefore, it has been classified as a Variant of Uncertain Significance. This sequence change falls in intron 26 of the LRBA gene. It does not directly change the encoded amino acid sequence of the LRBA protein. It affects a nucleotide within the consensus splice site. This variant is not present in population databases (gnomAD no frequency). This variant has not been reported in the literature in individuals affected with LRBA-related conditions. ClinVar contains an entry for this variant (Variation ID: 1521542). Variants that disrupt the consensus splice site are a relatively common cause of aberrant splicing (PMID: 17576681, 9536098). Algorithms developed to predict the effect of sequence changes on RNA splicing suggest that this variant may create or strengthen a splice site.

Literature cited by the submitters: PubMed 17576681; PubMed 9536098.

NM_001364905.1(LRBA):c.4339+4A>G

Gene: LRBA (LPS responsive beige-like anchor protein; minus strand). Cytogenetic location: 4q31.3.
Variant type: single nucleotide variant.
Coding change: c.4339+4A>G on transcript NM_001364905.1 (MANE Select); 4 bases into the intron after coding-DNA position 4339, A replaced by G.
Molecular consequence: intron variant.
Genome position (GRCh38, 1-based): chr4:150,848,814, T>C on the plus strand (A>G on the coding strand, the complement: LRBA is on the minus strand). VCF-style: chr4-150848814-T-C. GRCh37 (hg19) VCF-style: chr4-151769966-T-C.
Other names: c.4339+4A>G (NM_001367550.1, NM_006726.5, NM_001199282.3 and 2 more transcripts).
Identifiers: ClinVar variation 1521542 (VCV001521542.6), dbSNP rs2126904793, ClinGen allele CA2573138124.